The following is an entry in ClinVar:

NM_001077365.2(POMT1):c.699+72T>C

Gene: POMT1 (protein O-mannosyltransferase 1; plus strand). Cytogenetic location: 9q34.13.
Variant type: single nucleotide variant.
Coding change: c.699+72T>C on transcript NM_001077365.2 (MANE Select); 72 bases into the intron after coding-DNA position 699, T replaced by C.
Molecular consequence: intron variant. On other transcripts: synonymous variant (1).
Genome position (GRCh38, 1-based): chr9:131,510,068, T>C. VCF-style: chr9-131510068-T-C. GRCh37 (hg19) VCF-style: chr9-134385455-T-C.
Other names: c.609T>C, p.Leu203= (NM_001374689.1); c.603+6T>C (NM_001353198.2, NM_001353197.2); c.765+6T>C (NM_001353193.2, NM_007171.4); c.699+72T>C (NM_001136113.2, NM_001374690.1); c.537+72T>C (NM_001353194.2, NM_001077366.2, NM_001374693.1); c.348+72T>C (NM_001374691.1, NM_001353195.2, NM_001374692.1 and 1 more transcripts); c.609+72T>C (NM_001353196.2); c.309+6T>C (NM_001374695.1); and 2 more.
Identifiers: ClinVar variation 509787 (VCV000509787.4), dbSNP rs200780140, ClinGen allele CA200784552.
Genomic context (GRCh38, chr9:131,510,068, plus strand): 5'-TGTCCAGTGCTGCATGAGGCCGGCCTGTATGGGGCAGATGCAGATGTCACAGGGGGTACT[T>C]GGTGAAAAGACTCCAATCCTCAATGTTTTAGAAGCAGGCAGGCCTGGGCAGCCTCGCCTC-3'

ClinVar aggregate classification (germline): Conflicting classifications of pathogenicity. Review status: criteria provided, conflicting classifications (1 of 4 stars). 2 submissions from 2 submitters: Uncertain significance (1); Likely benign (1). Last evaluated 2022-06-27.

Conditions:
Autosomal recessive limb-girdle muscular dystrophy type 2K. Also called: MUSCULAR DYSTROPHY-DYSTROGLYCANOPATHY (LIMB-GIRDLE), TYPE C, 1; MUSCULAR DYSTROPHY, LIMB-GIRDLE, TYPE 2K. Identifiers: Orphanet 86812, MedGen C1836373, MONDO:0012248, OMIM 609308.
Muscular dystrophy-dystroglycanopathy (congenital with impaired intellectual development), type B, 1. Also called: Muscular dystrophy-dystroglycanopathy (congenital with intellectual disability), type B1; MUSCULAR DYSTROPHY, CONGENITAL, POMT1-RELATED. Identifiers: MedGen C5436962, MONDO:0013159, OMIM 613155.
Walker-Warburg congenital muscular dystrophy. Also called: Muscular dystrophy-dystroglycanopathy, type A; Walker-Warburg syndrome. Identifiers: Orphanet 899, MedGen C0265221, MONDO:0000171.

Allele frequency attached by ClinVar (database versions not stated): TOPMed 0.00002; gnomAD 0.00003; gnomAD exomes below 0.00001.
gnomAD v4.1: 12 of 1,613,950 alleles (0.00074%); highest among the groups gnomAD compares: African/African-American, 0.0013%; no homozygotes.

Submissions (2):

Labcorp Genetics (formerly Invitae), Labcorp
Classification: Uncertain significance for Muscular dystrophy-dystroglycanopathy (congenital with impaired intellectual development), type B, 1; Walker-Warburg congenital muscular dystrophy; Autosomal recessive limb-girdle muscular dystrophy type 2K. Last evaluated: 2022-06-27. Review status: criteria provided, single submitter. Criteria: Invitae Variant Classification Sherloc (09022015). Collection method: clinical testing. Allele origin: germline.
Comment: This sequence change falls in intron 8 of the POMT1 gene. It does not directly change the encoded amino acid sequence of the POMT1 protein. It affects a nucleotide within the consensus splice site. This variant is not present in population databases (gnomAD no frequency). This variant has not been reported in the literature in individuals affected with POMT1-related conditions. ClinVar contains an entry for this variant (Variation ID: 509787). Variants that disrupt the consensus splice site are a relatively common cause of aberrant splicing (PMID: 17576681, 9536098). Algorithms developed to predict the effect of sequence changes on RNA splicing suggest that this variant is not likely to affect RNA splicing. In summary, the available evidence is currently insufficient to determine the role of this variant in disease. Therefore, it has been classified as a Variant of Uncertain Significance.

GeneDx
Classification: Likely benign. Last evaluated: 2017-06-05. Review status: criteria provided, single submitter. Criteria: GeneDx Variant Classification (06012015). Collection method: clinical testing. Allele origin: germline. Affected: yes.
Comment: This variant is considered likely benign or benign based on one or more of the following criteria: it is a conservative change, it occurs at a poorly conserved position in the protein, it is predicted to be benign by multiple in silico algorithms, and/or has population frequency not consistent with disease.

Literature cited by the submitters: PubMed 17576681 (cited by Labcorp Genetics (formerly Invitae), Labcorp); PubMed 9536098 (cited by Labcorp Genetics (formerly Invitae), Labcorp).